The following is an entry in ClinVar:

ClinVar aggregate classification (germline): Uncertain significance (1 of 4 stars; one submission).

Submission:

CeGaT Center for Human Genetics Tuebingen
Classification: Uncertain significance. Last evaluated: 2026-04-01. Review status: criteria provided, single submitter. Criteria: CeGaT Center For Human Genetics Tuebingen Variant Classification Criteria Version 2. Collection method: clinical testing. Allele origin: germline. Affected: yes. Observed: 1 variant allele.
Comment: GRIN2A: PM2, PP3

NM_001134407.3(GRIN2A):c.749G>C (p.Gly250Ala)

Gene: GRIN2A (glutamate ionotropic receptor NMDA type subunit 2A; minus strand). Cytogenetic location: 16p13.2.
Variant type: single nucleotide variant.
Coding change: c.749G>C on transcript NM_001134407.3 (MANE Select); coding-DNA position 749, G replaced by C.
Protein change: p.Gly250Ala; replaces glycine 250 with alanine.
Molecular consequence: missense variant.
Genome position (GRCh38, 1-based): chr16:9,938,217, C>G on the plus strand (G>C on the coding strand, the complement: GRIN2A is on the minus strand). VCF-style: chr16-9938217-C-G. GRCh37 (hg19) VCF-style: chr16-10032074-C-G.
Other names: c.749G>C, p.Gly250Ala (NM_000833.5, NM_001134408.2); short protein forms G250A.
Identifiers: ClinVar variation 4874663 (VCV004874663.2).